The following is an entry in ClinVar:

ClinVar aggregate classification (germline): Uncertain significance. Review status: criteria provided, multiple submitters, no conflicts (2 of 4 stars). 2 submissions from 2 submitters: Uncertain significance (2). Last evaluated 2025-03-18.

Conditions:
Inborn genetic diseases. Identifiers: MedGen C0950123, MeSH D030342.
Baller-Gerold syndrome (BGS). Also called: CRANIOSYNOSTOSIS WITH RADIAL DEFECTS. Identifiers: Orphanet 1225, MedGen C0265308, MONDO:0009039, OMIM 218600.

Submissions (2):

Ambry Genetics
Classification: Uncertain significance for Inborn genetic diseases. Last evaluated: 2025-03-18. Review status: criteria provided, single submitter. Criteria: Ambry Variant Classification Scheme 2023. Collection method: clinical testing. Allele origin: germline.
Comment: The p.D30H variant (also known as c.88G>C), located in coding exon 2 of the RECQL4 gene, results from a G to C substitution at nucleotide position 88. The aspartic acid at codon 30 is replaced by histidine, an amino acid with similar properties. This amino acid position is conserved. In addition, this alteration is predicted to be tolerated by in silico analysis. Based on the available evidence, the clinical significance of this variant remains unclear.

Labcorp Genetics (formerly Invitae), Labcorp
Classification: Uncertain significance for Baller-Gerold syndrome. Last evaluated: 2023-03-14. Review status: criteria provided, single submitter. Criteria: Invitae Variant Classification Sherloc (09022015). Collection method: clinical testing. Allele origin: germline.
Comment: In summary, the available evidence is currently insufficient to determine the role of this variant in disease. Therefore, it has been classified as a Variant of Uncertain Significance. Experimental studies and prediction algorithms are not available or were not evaluated, and the functional significance of this variant is currently unknown. This variant has not been reported in the literature in individuals affected with RECQL4-related conditions. This variant is not present in population databases (gnomAD no frequency). This sequence change replaces aspartic acid, which is acidic and polar, with histidine, which is basic and polar, at codon 30 of the RECQL4 protein (p.Asp30His).

NM_004260.4(RECQL4):c.88G>C (p.Asp30His)

Genes: RECQL4 (RecQ like helicase 4; minus strand), LOC130001411 (ATAC-STARR-seq lymphoblastoid silent region 19699; plus strand). Cytogenetic location: 8q24.3.
Variant type: single nucleotide variant.
Coding change: c.88G>C on transcript NM_004260.4 (MANE Select); coding-DNA position 88, G replaced by C.
Protein change: p.Asp30His; replaces aspartic acid 30 with histidine.
Molecular consequence: missense variant. On other transcripts: 5 prime UTR variant (17), non-coding transcript variant (3), intron variant (1).
Genome position (GRCh38, 1-based): chr8:144,517,632, C>G on the plus strand (G>C on the coding strand, the complement: RECQL4 is on the minus strand). VCF-style: chr8-144517632-C-G. GRCh37 (hg19) VCF-style: chr8-145743016-C-G.
Other names: c.88G>C, p.Asp30His (NM_001413017.1, NM_001413018.1, NM_001413019.1 and 5 more transcripts); c.-633G>C (NM_001413021.1); c.-984G>C (NM_001413022.1, NM_001413023.1, NM_001413037.1 and 2 more transcripts); c.-881G>C (NM_001413024.1, NM_001413035.1); c.-1046G>C (NM_001413027.1, NM_001413030.1, NM_001413031.1 and 1 more transcripts); c.-709G>C (NM_001413028.1); c.-943G>C (NM_001413032.1); c.-888G>C (NM_001413034.1); and 4 more; short protein forms D30H.
Identifiers: ClinVar variation 2845525 (VCV002845525.4), dbSNP rs934908599, ClinGen allele CA372693545.
Genomic context (GRCh38, chr8:144,517,632, plus strand): 5'-CTCGCCCCCGCCGCCCCGCCGCGCGCTCACCGCGGGTCTCCTCCGGCGCCGCCTCCACGT[C>G]GTCCTGTAAAGGGAACGCGTCAGCCGCGGGCCGCGCCCTCAGCCCCTCGGCCCCTGGGCA-3'
Protein context (NP_004251.4, residues 20-40): RQRGRRPSQD[Asp30His]VEAAPEETRA